The following is an entry in ClinVar:

NM_017934.7(PHIP):c.1005T>G (p.Phe335Leu)

Gene: PHIP (PHIP subunit of CUL4-Ring ligase complex; minus strand). Cytogenetic location: 6q14.1.
Variant type: single nucleotide variant.
Coding change: c.1005T>G on transcript NM_017934.7 (MANE Select); coding-DNA position 1005, T replaced by G.
Protein change: p.Phe335Leu; replaces phenylalanine 335 with leucine.
Molecular consequence: missense variant.
Genome position (GRCh38, 1-based): chr6:79,017,573, A>C on the plus strand (T>G on the coding strand, the complement: PHIP is on the minus strand). VCF-style: chr6-79017573-A-C. GRCh37 (hg19) VCF-style: chr6-79727290-A-C.
Other names: short protein forms F335L.
Identifiers: ClinVar variation 3356664 (VCV003356664.1).

ClinVar aggregate classification (germline): Uncertain significance (0 of 4 stars; one submission).

Conditions:
PHIP-related disorder. Also called: PHIP-related condition; PHIP-related disorders.

gnomAD v4.1: 17 of 1,610,562 alleles (0.0011%); highest among the groups gnomAD compares: Non-Finnish European, 0.0014%; no homozygotes.

Submission:

PreventionGenetics, part of Exact Sciences
Classification: Uncertain significance for PHIP-related condition. Last evaluated: 2024-02-07. Review status: no assertion criteria provided. Collection method: clinical testing. Allele origin: germline.
Comment: The PHIP c.1005T>G variant is predicted to result in the amino acid substitution p.Phe335Leu. To our knowledge, this variant has not been reported in the literature. This variant is reported in 0.0053% of alleles in individuals of European (Non-Finnish) descent in gnomAD. At this time, the clinical significance of this variant is uncertain due to the absence of conclusive functional and genetic evidence.